The following is an entry in ClinVar:

ClinVar aggregate classification (germline): Conflicting classifications of pathogenicity. Review status: criteria provided, conflicting classifications (1 of 4 stars). 3 submissions from 3 submitters: Likely pathogenic (1); Uncertain significance (2). Last evaluated 2026-06-26.

Conditions:
Sensory ataxic neuropathy, dysarthria, and ophthalmoparesis (SANDO). Also called: Epilepsy, progressive myoclonic, type 5; Sensory ataxic neuropathy-dysarthria-ophthalmoparesis syndrome; Ataxia Neuropathy Spectrum (ANS); SENSORY ATAXIC NEUROPATHY WITH MITOCHONDRIAL DNA DELETIONS, AUTOSOMAL RECESSIVE. Identifiers: Orphanet 70595, MedGen C1843851, MONDO:0011835, OMIM 607459.
POLG-related disorder. Also called: POLG-related condition; POLG-Related Disorders; POLG-Related Spectrum Disorders. Identifiers: MedGen C4763519.
Progressive sclerosing poliodystrophy (MTDPS4A). Also called: Mitochondrial DNA depletion syndrome 4A (Alpers type); ALPERS PROGRESSIVE INFANTILE POLIODYSTROPHY; Alpers-Huttenlocher Syndrome (AHS); NEURONAL DEGENERATION OF CHILDHOOD WITH LIVER DISEASE, PROGRESSIVE; Mitochondrial DNA Depletion Syndrome 4A; Alpers Syndrome. Identifiers: Orphanet 726, MedGen C0205710, MONDO:0008758, OMIM 203700.

Allele frequency attached by ClinVar (database versions not stated): ExAC 0.00001; gnomAD exomes 0.00001.

Submissions (3):

Myriad Genetics, Inc.
Classification: Uncertain significance for POLG-related disorder. Last evaluated: 2026-06-26. Review status: criteria provided, single submitter. Criteria: Myriad Autosomal Dominant, Autosomal Recessive and X-Linked Classification Criteria (2023). Collection method: clinical testing. Allele origin: unknown.
Comment: NM_002693.2(POLG):c.2629A>G(M877V) is a missense variant classified as a variant of uncertain significance in the context of POLG-related disorders. M877V has been observed in a case with relevant disease (PMID: 38703036). Relevant functional assessments of this variant are not available in the literature. M877V has been observed in referenced population frequency databases. In summary, there is insufficient evidence to classify NM_002693.2(POLG):c.2629A>G(M877V) as pathogenic or benign. Please note: this variant was assessed in the context of healthy population screening.

Labcorp Genetics (formerly Invitae), Labcorp
Classification: Uncertain significance for Progressive sclerosing poliodystrophy. Last evaluated: 2025-05-22. Review status: criteria provided, single submitter. Criteria: Invitae Variant Classification Sherloc (09022015). Collection method: clinical testing. Allele origin: germline.
Comment: This sequence change replaces methionine, which is neutral and non-polar, with valine, which is neutral and non-polar, at codon 877 of the POLG protein (p.Met877Val). This variant is present in population databases (rs754025885, gnomAD 0.003%). This missense change has been observed in individual(s) with POLG-related condition (PMID: 38703036). ClinVar contains an entry for this variant (Variation ID: 2172898). Invitae Evidence Modeling of protein sequence and biophysical properties (such as structural, functional, and spatial information, amino acid conservation, physicochemical variation, residue mobility, and thermodynamic stability) indicates that this missense variant is expected to disrupt POLG protein function with a positive predictive value of 95%. In summary, the available evidence is currently insufficient to determine the role of this variant in disease. Therefore, it has been classified as a Variant of Uncertain Significance.

Service de Génétique Médicale, Centre Hospitalier Universitaire de Nice-Université Côte d'Azur
Classification: Likely pathogenic for Sensory ataxic neuropathy, dysarthria, and ophthalmoparesis. Last evaluated: 2024-02-27. Review status: criteria provided, single submitter. Criteria: ACMG Guidelines, 2015. Collection method: clinical testing. Allele origin: germline. Affected: yes.

Literature cited by the submitters: PubMed 38703036 (cited by 3 submitters).

NM_002693.3(POLG):c.2629A>G (p.Met877Val)

Gene: POLG (DNA polymerase gamma, catalytic subunit; minus strand). Cytogenetic location: 15q26.1.
Variant type: single nucleotide variant.
Coding change: c.2629A>G on transcript NM_002693.3 (MANE Select); coding-DNA position 2629, A replaced by G.
Protein change: p.Met877Val; replaces methionine 877 with valine.
Molecular consequence: missense variant.
Genome position (GRCh38, 1-based): chr15:89,321,230, T>C on the plus strand (A>G on the coding strand, the complement: POLG is on the minus strand). VCF-style: chr15-89321230-T-C. GRCh37 (hg19) VCF-style: chr15-89864461-T-C.
Other names: c.2629A>G, p.Met877Val (NM_001126131.2); short protein forms M877V.
Identifiers: ClinVar variation 2172898 (VCV002172898.6), dbSNP rs754025885, ClinGen allele CA7724391.